The following is an entry in ClinVar:

NM_000289.6(PFKM):c.299G>A (p.Arg100Gln)

Gene: PFKM (phosphofructokinase, muscle; plus strand). Cytogenetic location: 12q13.11.
Variant type: single nucleotide variant.
Coding change: c.299G>A on transcript NM_000289.6 (MANE Select); coding-DNA position 299, G replaced by A.
Protein change: p.Arg100Gln; replaces arginine 100 with glutamine.
Molecular consequence: missense variant. On other transcripts: non-coding transcript variant (6).
Genome position (GRCh38, 1-based): chr12:48,132,929, G>A. VCF-style: chr12-48132929-G-A. GRCh37 (hg19) VCF-style: chr12-48526712-G-A.
Other names: NM_000289.5(PFKM):c.299G>A(p.Arg100Gln); NM_001166686.1(PFKM):c.512G>A(p.Arg171Gln); NM_001166687.1(PFKM):c.299G>A(p.Arg100Gln); NM_001166688.1(PFKM):c.299G>A(p.Arg100Gln); c.512G>A, p.Arg171Gln (NM_001166686.2, NM_001354737.1, NM_001354738.1 and 1 more transcripts); c.299G>A, p.Arg100Gln (NM_001166687.2, NM_001166688.2, NM_001354742.2 and 4 more transcripts); c.608G>A, p.Arg203Gln (NM_001354735.1, NM_001354736.1); c.443G>A, p.Arg148Gln (NM_001354740.1); and 3 more; short protein forms R100Q, R171Q, R50Q, R108Q, R148Q, R203Q, R71Q.
Identifiers: ClinVar variation 255760 (VCV000255760.36), dbSNP rs2228500, ClinGen allele CA6536961.

ClinVar aggregate classification (germline): Benign/Likely benign. Review status: criteria provided, multiple submitters, no conflicts (2 of 4 stars). 12 submissions from 12 submitters: Benign (8); Likely benign (2). 2 of the submissions do not count toward it. Last evaluated 2026-02-04.

Conditions:
Glycogen storage disease, type VII (GSD7). Also called: MUSCLE PHOSPHOFRUCTOKINASE DEFICIENCY; PFKM DEFICIENCY; TARUI DISEASE; GSD VII. Identifiers: Orphanet 371, MedGen C0017926, MONDO:0009295, OMIM 232800.

Allele frequency attached by ClinVar (database versions not stated): 1000 Genomes Project 30x 0.14382; 1000 Genomes Project 0.14776; gnomAD 0.16379 and 0.16574; TOPMed 0.16560; ESP Exome Variant Server 0.17192; ExAC 0.17778; gnomAD exomes 0.17814 and 0.20399.
gnomAD v4.1: 323,337 of 1,613,792 alleles (20%); highest among the groups gnomAD compares: East Asian, 23%; 34,053 homozygotes.

Submissions (12):

Labcorp Genetics (formerly Invitae), Labcorp
Classification: Benign for Glycogen storage disease, type VII. Last evaluated: 2026-02-04. Review status: criteria provided, single submitter. Criteria: Invitae Variant Classification Sherloc (09022015). Collection method: clinical testing. Allele origin: germline.

ARUP Laboratories, Molecular Genetics and Genomics, ARUP Laboratories
Classification: Benign for Glycogen storage disease, type VII. Last evaluated: 2025-07-24. Review status: criteria provided, single submitter. Criteria: ARUP Molecular Germline Variant Investigation Process 2024. Collection method: clinical testing. Allele origin: germline.

Women's Health and Genetics/Laboratory Corporation of America, LabCorp
Classification: Likely benign. Last evaluated: 2021-12-03. Review status: criteria provided, single submitter. Criteria: LabCorp Variant Classification Summary - May 2015. Collection method: clinical testing. Allele origin: germline.

Pars Genome Lab
Classification: Benign for Glycogen storage disease, type VII. Last evaluated: 2021-07-01. Review status: criteria provided, single submitter. Criteria: ACMG Guidelines, 2015. Collection method: clinical testing. Allele origin: germline. Affected: no.

SIB Swiss Institute of Bioinformatics
Classification: Benign for Glycogen storage disease, type VII. Last evaluated: 2018-05-31. Review status: criteria provided, single submitter. Criteria: ACMG Guidelines, 2015. Collection method: curation. Allele origin: unknown.
Comment: This variant is interpreted as a Benign - Stand Alone, for Glycogen storage disease VII, in Autosomal Recessive manner. The following ACMG Tag(s) were applied: BA1 =>Allele frequency is >5% in Exome Sequencing Project, 1000 Genomes Project, or Exome Aggregation Consortium.

Illumina Laboratory Services, Illumina
Classification: Benign for Glycogen storage disease, type VII. Last evaluated: 2018-03-06. Review status: criteria provided, single submitter. Criteria: ICSL Variant Classification Criteria 13 December 2019. Collection method: clinical testing. Allele origin: germline.
Comment: This variant was observed in the ICSL laboratory as part of a predisposition screen in an ostensibly healthy population. It had not been previously curated by ICSL or reported in the Human Gene Mutation Database (HGMD: prior to June 1st, 2018), and was therefore a candidate for classification through an automated scoring system. Utilizing variant allele frequency, disease prevalence and penetrance estimates, and inheritance mode, an automated score was calculated to assess if this variant is too frequent to cause the disease. Based on the score and internal cut-off values, a variant classified as benign is not then subjected to further curation. The score for this variant resulted in a classification of benign for this disease.

GeneDx
Classification: Benign. Last evaluated: 2016-01-08. Review status: criteria provided, single submitter. Criteria: GeneDx Variant Classification (06012015). Collection method: clinical testing. Allele origin: germline. Affected: yes.
Comment: This variant is considered likely benign or benign based on one or more of the following criteria: it is a conservative change, it occurs at a poorly conserved position in the protein, it is predicted to be benign by multiple in silico algorithms, and/or has population frequency not consistent with disease.

Eurofins Ntd Llc (ga)
Classification: Benign. Last evaluated: 2015-07-17. Review status: criteria provided, single submitter. Criteria: EGL Classification Definitions 2015. Collection method: clinical testing. Allele origin: germline. Observed: 1 variant allele, 1 heterozygote.

Breakthrough Genomics
Classification: Likely benign. Review status: criteria provided, single submitter. Criteria: ACMG Guidelines, 2015. Collection method: not provided. Allele origin: germline. Inheritance: Autosomal recessive inheritance. Affected: yes.

PreventionGenetics, part of Exact Sciences
Classification: Benign. Review status: criteria provided, single submitter. Criteria: ACMG Guidelines, 2015. Collection method: clinical testing. Allele origin: germline.

Natera, Inc.
Classification: Benign for Glycogen storage disease type VII. Last evaluated: 2020-09-16. Review status: no assertion criteria provided. Collection method: clinical testing. Allele origin: germline. Not counted in ClinVar's aggregate classification.

Mayo Clinic Laboratories, Mayo Clinic
Classification: Benign. Last evaluated: 2015-12-16. Review status: no assertion criteria provided. Collection method: clinical testing. Allele origin: unknown. Not counted in ClinVar's aggregate classification.